The following is an entry in ClinVar:

NM_003579.4(RAD54L):c.1373A>G (p.Asn458Ser)

Gene: RAD54L (RAD54 like; plus strand). Cytogenetic location: 1p34.1.
Variant type: single nucleotide variant.
Coding change: c.1373A>G on transcript NM_003579.4 (MANE Select); coding-DNA position 1373, A replaced by G.
Protein change: p.Asn458Ser; replaces asparagine 458 with serine.
Molecular consequence: missense variant.
Genome position (GRCh38, 1-based): chr1:46,272,800, A>G. VCF-style: chr1-46272800-A-G. GRCh37 (hg19) VCF-style: chr1-46738472-A-G.
Other names: c.1373A>G, p.Asn458Ser (NM_001142548.2); c.833A>G, p.Asn278Ser (NM_001370766.1); short protein forms N458S, N278S.
Identifiers: ClinVar variation 1771092 (VCV001771092.2), dbSNP rs2525708528, ClinGen allele CA340179985.

ClinVar aggregate classification (germline): Uncertain significance (1 of 4 stars; one submission).

Allele frequency attached by ClinVar (database versions not stated): gnomAD exomes below 0.00001.
gnomAD v4.1: 1 of 1,614,138 alleles (0.000062%); highest among the groups gnomAD compares: Non-Finnish European, 0.000085%; no homozygotes.

Submission:

Ambry Genetics
Classification: Uncertain significance. Last evaluated: 2022-05-25. Review status: criteria provided, single submitter. Criteria: Ambry Variant Classification Scheme 2023. Collection method: clinical testing. Allele origin: germline.
Comment: The p.N458S variant (also known as c.1373A>G), located in coding exon 12 of the RAD54L gene, results from an A to G substitution at nucleotide position 1373. The asparagine at codon 458 is replaced by serine, an amino acid with highly similar properties. This amino acid position is conserved. In addition, this alteration is predicted to be tolerated by in silico analysis. Since supporting evidence is limited at this time, the clinical significance of this alteration remains unclear.